The following is an entry in ClinVar:

NM_006371.5(CRTAP):c.*3949C>T

Gene: CRTAP (cartilage associated protein; plus strand). Cytogenetic location: 3p22.3.
Variant type: single nucleotide variant.
Coding change: c.*3949C>T on transcript NM_006371.5 (MANE Select); 3949 bases downstream of the stop codon, C replaced by T.
Molecular consequence: 3 prime UTR variant.
Genome position (GRCh38, 1-based): chr3:33,146,397, C>T. VCF-style: chr3-33146397-C-T. GRCh37 (hg19) VCF-style: chr3-33187889-C-T.
Identifiers: ClinVar variation 344876 (VCV000344876.6), dbSNP rs72859106, ClinGen allele CA10615699.

ClinVar aggregate classification (germline): Benign. Review status: criteria provided, multiple submitters, no conflicts (2 of 4 stars). 2 submissions from 2 submitters: Benign (2). Last evaluated 2018-01-13.

Conditions:
Osteogenesis imperfecta type 7 (OI7). Also called: OI type 7; OI type VII; OSTEOGENESIS IMPERFECTA, TYPE IIB; Osteogenesis imperfecta type 2B; OI type 2B; Osteogenesis imperfecta, perinatal lethal autosomal recessive. Identifiers: MedGen C1853162, MONDO:0012536, OMIM 610682.

Allele frequency attached by ClinVar (database versions not stated): gnomAD 0.04958 and 0.05162; TOPMed 0.05330; 1000 Genomes Project 0.05950; 1000 Genomes Project 30x 0.06309.

Submissions (2):

Illumina Laboratory Services, Illumina
Classification: Benign for Osteogenesis imperfecta type 7. Last evaluated: 2018-01-13. Review status: criteria provided, single submitter. Criteria: ICSL Variant Classification Criteria 13 December 2019. Collection method: clinical testing. Allele origin: germline.
Comment: This variant was observed in the ICSL laboratory as part of a predisposition screen in an ostensibly healthy population. It had not been previously curated by ICSL or reported in the Human Gene Mutation Database (HGMD: prior to June 1st, 2018), and was therefore a candidate for classification through an automated scoring system. Utilizing variant allele frequency, disease prevalence and penetrance estimates, and inheritance mode, an automated score was calculated to assess if this variant is too frequent to cause the disease. Based on the score and internal cut-off values, a variant classified as benign is not then subjected to further curation. The score for this variant resulted in a classification of benign for this disease.

Breakthrough Genomics
Classification: Benign. Review status: criteria provided, single submitter. Criteria: ACMG Guidelines, 2015. Collection method: not provided. Allele origin: germline. Inheritance: Autosomal recessive inheritance. Affected: yes.